The following is an entry in ClinVar:

NM_005219.5(DIAPH1):c.1121A>G (p.Tyr374Cys)

Gene: DIAPH1 (diaphanous related formin 1; minus strand). Cytogenetic location: 5q31.3.
Variant type: single nucleotide variant.
Coding change: c.1121A>G on transcript NM_005219.5 (MANE Select); coding-DNA position 1121, A replaced by G.
Protein change: p.Tyr374Cys; replaces tyrosine 374 with cysteine.
Molecular consequence: missense variant.
Genome position (GRCh38, 1-based): chr5:141,578,267, T>C on the plus strand (A>G on the coding strand, the complement: DIAPH1 is on the minus strand). VCF-style: chr5-141578267-T-C. GRCh37 (hg19) VCF-style: chr5-140957834-T-C.
Other names: c.1094A>G, p.Tyr365Cys (NM_001079812.3); c.1121A>G, p.Tyr374Cys (NM_001314007.2); short protein forms Y365C, Y374C.
Identifiers: ClinVar variation 3748758 (VCV003748758.2).

ClinVar aggregate classification (germline): Uncertain significance (1 of 4 stars; one submission).

Conditions:
Progressive microcephaly-seizures-cortical blindness-developmental delay syndrome. Also called: Seizures, cortical blindness, and microcephaly syndrome. Identifiers: Orphanet 477814, MedGen C5567650, MONDO:0014714, OMIM 616632.
Autosomal dominant nonsyndromic hearing loss 1. Also called: KONIGSMARK SYNDROME; DEAFNESS, AUTOSOMAL DOMINANT 1, WITH OR WITHOUT THROMBOCYTOPENIA. Identifiers: Orphanet 90635, MedGen C1852282, MONDO:0007424, OMIM 124900.

gnomAD v4.1: 7 of 1,614,018 alleles (0.00043%); highest among the groups gnomAD compares: Admixed American, 0.0017%; no homozygotes.

Submission:

Labcorp Genetics (formerly Invitae), Labcorp
Classification: Uncertain significance for Progressive microcephaly-seizures-cortical blindness-developmental delay syndrome; Autosomal dominant nonsyndromic hearing loss 1. Last evaluated: 2024-09-14. Review status: criteria provided, single submitter. Criteria: Invitae Variant Classification Sherloc (09022015). Collection method: clinical testing. Allele origin: germline.
Comment: This sequence change replaces tyrosine, which is neutral and polar, with cysteine, which is neutral and slightly polar, at codon 374 of the DIAPH1 protein (p.Tyr374Cys). This variant is present in population databases (rs752460505, gnomAD 0.004%). This variant has not been reported in the literature in individuals affected with DIAPH1-related conditions. Experimental studies and prediction algorithms are not available or were not evaluated, and the functional significance of this variant is currently unknown. In summary, the available evidence is currently insufficient to determine the role of this variant in disease. Therefore, it has been classified as a Variant of Uncertain Significance.